The following is an entry in ClinVar:

ClinVar aggregate classification (germline): Benign (0 of 4 stars; one submission).

Conditions:
MBD1-related disorder. Also called: MBD1-related condition.

Allele frequency attached by ClinVar (database versions not stated): 1000 Genomes Project 30x 0.00906; 1000 Genomes Project 0.00938; TOPMed 0.01447; gnomAD 0.01717; ESP Exome Variant Server 0.01753; ExAC 0.01834; gnomAD exomes 0.02306.
gnomAD v4.1: 36,065 of 1,614,038 alleles (2.2%); highest among the groups gnomAD compares: Non-Finnish European, 2.6%; 472 homozygotes.

Submission:

PreventionGenetics, part of Exact Sciences
Classification: Benign for MBD1-related condition. Last evaluated: 2019-03-01. Review status: no assertion criteria provided. Collection method: clinical testing. Allele origin: germline.
Comment: This variant is classified as benign based on ACMG/AMP sequence variant interpretation guidelines (Richards et al. 2015 PMID: 25741868, with internal and published modifications).

NM_015846.4(MBD1):c.664-9C>T

Gene: MBD1 (methyl-CpG binding domain protein 1; minus strand). Cytogenetic location: 18q21.1.
Variant type: single nucleotide variant.
Coding change: c.664-9C>T on transcript NM_015846.4 (MANE Select); 9 bases into the intron before coding-DNA position 664, C replaced by T.
Molecular consequence: intron variant.
Genome position (GRCh38, 1-based): chr18:50,275,737, G>A on the plus strand (C>T on the coding strand, the complement: MBD1 is on the minus strand). VCF-style: chr18-50275737-G-A. GRCh37 (hg19) VCF-style: chr18-47802107-G-A.
Other names: c.517-9C>T (NM_001399961.1, NM_001204141.2, NM_001399938.1 and 5 more transcripts); c.589-9C>T (NM_001399909.1, NM_001399924.1, NM_001323952.2 and 2 more transcripts); c.664-9C>T (NM_001399960.1, NM_001399908.1, NM_001388167.1 and 114 more transcripts); c.157-9C>T (NM_001323953.2, NM_001399973.1, NM_001399971.1 and 11 more transcripts); c.742-9C>T (NM_001399916.1, NM_001399880.1).
Identifiers: ClinVar variation 3055392 (VCV003055392.2), dbSNP rs138191674, ClinGen allele CA8963099.